The following is an entry in ClinVar:

ClinVar aggregate classification (germline): Likely benign (1 of 4 stars; one submission).

Conditions:
EPILEPSY, CHILDHOOD ABSENCE, SUSCEPTIBILITY TO, 2 (ECA2). Identifiers: Orphanet 64280, MedGen C1843244, OMIM 607681.

Allele frequency attached by ClinVar (database versions not stated): TOPMed below 0.00001; gnomAD 0.00001 and 0.00003; 1000 Genomes Project 30x 0.00031; 1000 Genomes Project 0.00040.

Submission:

Illumina Laboratory Services, Illumina
Classification: Likely benign for Febrile seizures, familial, 8. Last evaluated: 2018-01-13. Review status: criteria provided, single submitter. Criteria: ICSL Variant Classification Criteria 13 December 2019. Collection method: clinical testing. Allele origin: germline.
Comment: This variant was observed in the ICSL laboratory as part of a predisposition screen in an ostensibly healthy population. It had not been previously curated by ICSL or reported in the Human Gene Mutation Database (HGMD: prior to June 1st, 2018), and was therefore a candidate for classification through an automated scoring system. Utilizing variant allele frequency, disease prevalence and penetrance estimates, and inheritance mode, an automated score was calculated to assess if this variant is too frequent to cause the disease. Based on the score and internal cut-off values, a variant classified as likely benign is not then subjected to further curation. The score for this variant resulted in a classification of likely benign for this disease.

NM_198904.4(GABRG2):c.*797G>T

Gene: GABRG2 (gamma-aminobutyric acid type A receptor subunit gamma2; plus strand). Cytogenetic location: 5q34.
Variant type: single nucleotide variant.
Coding change: c.*797G>T on transcript NM_198904.4 (MANE Select); 797 bases downstream of the stop codon, G replaced by T.
Molecular consequence: 3 prime UTR variant.
Genome position (GRCh38, 1-based): chr5:162,154,165, G>T. VCF-style: chr5-162154165-G-T. GRCh37 (hg19) VCF-style: chr5-161581171-G-T.
Other names: c.*797G>T (NM_000816.3, NM_001375339.1, NM_001375341.1 and 10 more transcripts); c.*1059G>T (NM_001375340.1).
Identifiers: ClinVar variation 352658 (VCV000352658.5), dbSNP rs118064447, ClinGen allele CA10624062.
Genomic context (GRCh38, chr5:162,154,165, plus strand): 5'-AGATTCGAACAGCTTATTTTTTCCTTGTATGACATATTACAACACTTTAAGTAAAATATA[G>T]ACTGGATAATCAACATTTGCCACCTCTAAATATGCCCAATTTCATAACTAGAGTATAAAG-3'